The following is an entry in ClinVar:

ClinVar aggregate classification (germline): Uncertain significance (1 of 4 stars; one submission).

Conditions:
Cardiovascular phenotype. Identifiers: MedGen CN230736.

gnomAD v4.1: 1 of 1,614,060 alleles (0.000062%); highest among the groups gnomAD compares: Non-Finnish European, 0.000085%; no homozygotes.

Submission:

Ambry Genetics
Classification: Uncertain significance for Cardiovascular phenotype. Last evaluated: 2025-04-13. Review status: criteria provided, single submitter. Criteria: Ambry Variant Classification Scheme 2023. Collection method: clinical testing. Allele origin: germline.
Comment: The p.P1695S variant (also known as c.5083C>T), located in coding exon 11 of the ALPK3 gene, results from a C to T substitution at nucleotide position 5083. The proline at codon 1695 is replaced by serine, an amino acid with similar properties. This amino acid position is conserved. In addition, this alteration is predicted to be tolerated by in silico analysis. Based on the available evidence, the clinical significance of this variant remains unclear.

NM_020778.5(ALPK3):c.4477C>T (p.Pro1493Ser)

Gene: ALPK3 (alpha kinase 3; plus strand). Cytogenetic location: 15q25.3.
Variant type: single nucleotide variant.
Coding change: c.4477C>T on transcript NM_020778.5 (MANE Select); coding-DNA position 4477, C replaced by T.
Protein change: p.Pro1493Ser; replaces proline 1493 with serine.
Molecular consequence: missense variant.
Genome position (GRCh38, 1-based): chr15:84,863,618, C>T. VCF-style: chr15-84863618-C-T. GRCh37 (hg19) VCF-style: chr15-85406849-C-T.
Other names: short protein forms P1493S.
Identifiers: ClinVar variation 4044625 (VCV004044625.1).